The following continues an entry in ClinVar:

NM_000051.4(ATM):c.1010G>A (p.Arg337His)

Gene: ATM. ClinVar aggregate classification (germline): Conflicting classifications of pathogenicity. Uncertain significance (15); Benign (1); Likely benign (4). ClinVar aggregate classification (oncogenicity): Uncertain significance.

Submissions 15 to 24 of 24:

Women's Health and Genetics/Laboratory Corporation of America, LabCorp
Classification: Uncertain significance. Last evaluated: 2023-05-08. Review status: criteria provided, single submitter. Criteria: LabCorp Variant Classification Summary - May 2015. Collection method: clinical testing. Allele origin: germline.
Comment: Variant summary: ATM c.1010G>A (p.Arg337His) results in a non-conservative amino acid change in the encoded protein sequence. Four of five in-silico tools predict a damaging effect of the variant on protein function. The variant allele was found at a frequency of 8.5e-05 in 271398 control chromosomes (gnomAD and publications). This frequency is not higher than the estimated maximum expected for a pathogenic variant in ATM causing Breast Cancer (0.001), allowing no conclusion about variant significance. c.1010G>A has been reported in the literature in individuals affected with Breast Cancer and other tumor phenotypes, including prostate cancer and pediatric retinoblastoma (e.g. Bernstein_2010, Zhang_2015, Tung_2015, Decker_2017, Hauke_2018, Girard_2019, Karlsson_2021, Dorling_2021), but was also found in healthy controls (e.g. Tiao_2017, Girard_2019, Dorling_2021, and in three women older than 70 years of age who have never had cancer, in the FLOSSIES database). These reports do not provide unequivocal conclusions about association of the variant with Breast Cancer. To our knowledge, no experimental evidence demonstrating an impact on protein function has been reported. The following publications have been ascertained in the context of this evaluation (PMID: 25882375, 24356096, 20305132, 28779002, 22529920, 30303537, 29522266, 30814645, 28652578, 25186627, 26580448, 33436325, 33471991). Ten other submitters have provided clinical-significance assessments for this variant in ClinVar after 2014, mostly without evidence for independent evaluation, and classified the variant as VUS (n=7), likely benign (n=2) or benign (n=1). Based on the evidence outlined above, the variant was classified as uncertain significance.

CHEO Genetics Diagnostic Laboratory, Children's Hospital of Eastern Ontario
Classification: Uncertain significance for Breast and/or ovarian cancer. Last evaluated: 2022-12-30. Review status: criteria provided, single submitter. Criteria: ACMG Guidelines, 2015. Collection method: clinical testing. Allele origin: germline.

St. Jude Molecular Pathology, St. Jude Children's Research Hospital
Classification: Uncertain significance for Familial cancer of breast. Last evaluated: 2022-11-17. Review status: criteria provided, single submitter. Criteria: St. Jude Assertion Criteria 2020. Collection method: clinical testing. Allele origin: germline.
Comment: The ATM c.1010G>A (p.Arg337His) missense change has a maximum subpopulation frequency of 0.012% in gnomAD v2.1.1. The in silico tool REVEL is inconclusive about a pathogenic or benign effect of this variant on protein function, and to our knowledge functional studies have not been performed. This variant has been reported in individuals with breast and/or cancer (PMID: 30303537, 33646313) and in individuals with prostate cancer (PMID: 33436325) and pancreatic cancer (PMID: 35047863). This variant is present in three individuals in a database of women older than 70 years of age who have never had cancer (FLOSSIES database). To our knowledge, this variant has not been reported in individuals with ataxia telangiectasia. In summary, the evidence currently available is insufficient to determine the clinical significance of this variant. It has therefore been classified as of uncertain significance.

Sema4
Classification: Uncertain significance for Hereditary cancer-predisposing syndrome. Last evaluated: 2022-01-14. Review status: criteria provided, single submitter. Criteria: Sema4 Curation Guidelines. Collection method: curation. Allele origin: germline.
Comment: The ATM c.1010G>A (p.R337H) variant has been reported in heterozygosity in at least 14 individuals with breast cancer (PMID: 33471991, 30303537, 29522266, among others); however, it was also reported in at least 5 control individuals (PMID: 33471991, 30303537, among others). It has been reported in one individual with prostate cancer (PMID: 33436325) and in one pediatric individual with adrenocortical tumor (PMID: 26580448). This variant was observed in 14/113538 chromosomes in the European (non-Finnish) population, with no homozygotes, according to the Genome Aggregation Database (PMID: 32461654). This variant has been reported in ClinVar (Variation ID: 127328). Functional studies have not been performed, and in silico predictions of the variant's effect on protein function are inconclusive. There is no indication that this variant causes disease, but the evidence is insufficient currently to prove that conclusively. Thus, the clinical significance of this variant is currently uncertain.

Institute for Clinical Genetics, University Hospital TU Dresden, University Hospital TU Dresden
Classification: Uncertain significance. Last evaluated: 2021-11-03. Review status: criteria provided, single submitter. Criteria: ACMG Guidelines, 2015. Collection method: clinical testing. Allele origin: germline.

Division of Medical Genetics, University of Washington
Classification: Uncertain significance for Familial cancer of breast. Last evaluated: 2019-10-08. Review status: criteria provided, single submitter. Criteria: ACMG Guidelines, 2015. Collection method: clinical testing. Allele origin: germline. Affected: no. Study: CSER_CHARM.
Comment: This variant has been reported in the literature in individuals with breast cancer (Tung 2015, Decker 2017, Hauke 2018). This variant has an overall allele frequency of 0.00008 in the Broad Institute gnomAD Browser. In silico analyses indicate this is an evolutionarily conserved residue. PP3

Ambry Genetics
Classification: Likely benign for Hereditary cancer-predisposing syndrome. Last evaluated: 2019-04-26. Review status: criteria provided, single submitter. Criteria: Ambry Variant Classification Scheme 2023. Collection method: clinical testing. Allele origin: germline.

Clinical Genetics Laboratory, Department of Pathology, Netherlands Cancer Institute
Classification: Uncertain significance. Review status: no assertion criteria provided. Collection method: clinical testing. Allele origin: germline. Affected: yes. Study: VKGL Data-share Consensus. Not counted in ClinVar's aggregate classification.

Department of Pathology and Laboratory Medicine, Sinai Health System
Classification: Uncertain significance for Malignant tumor of breast. Review status: no assertion criteria provided. Collection method: clinical testing. Allele origin: unknown. Affected: yes. Study: The Canadian Open Genetics Repository (COGR). Not counted in ClinVar's aggregate classification.
Comment: The ATM p.Arg337His variant was not identified in the literature nor was it identified in the COGR, MutDB, LOVD 3.0, and ATM-LOVD databases or the NHLBI GO Exome Sequencing Project. The variant was identified in dbSNP (ID: rs202160435) as â€šÃ„ÃºWith Uncertain significance alleleâ€šÃ„Ã¹, in ClinVar and Clivitae databases with uncertain significance by GeneDx, Ambry Genetics and Invitae); in the Cosmic database 12X in bladder, colon, rectal, gallbladder and stomach carcinomas. The variant was also identified in the 1000 Genomes Project in 2 of 5000 chromosomes (frequency: 0.0004). The variant was identified in control databases in 19 of 245972 chromosomes at a frequency of 0.000077 in the following populations: African in 1 of 15292chromosomes (freq. 0.00007), Latino in 2 of 33536 chromosomes (freq. 0.00006), European Non-Finnish in 15 of 111508 chromosomes (freq. 0.0001), South Asian in 1 of 30782 chromosomes (freq. 0.00003), but was not seen in Ashkenazi Jewish, East Asian, European Finnish and Other populations, increasing the likelihood that this may be a low frequency variant in certain populations of origin (Genome Aggregation Consortium Feb 27, 2017). The p.Arg337His residue is conserved in mammals but not in more distantly related organisms and computational analyses (PolyPhen-2, SIFT, AlignGVGD, BLOSUM, MutationTaster) provide inconsistent predictions regarding the impact to the protein; this information is not very predictive of pathogenicity. The variant occurs outside of the splicing consensus sequence and in-silico or computational prediction software programs (SpliceSiteFinder, MaxEntScan, NNSPLICE, GeneSplicer, HumanSpliceFinder) do not predict a difference in splicing. The variant is located with the Armadillo-type fold functional domain. In summary, based on the above information the clinical significance of this variant cannot be determined with certainty at this time. This variant is classified as a variant of uncertain significance.

Joint Genome Diagnostic Labs from Nijmegen and Maastricht, Radboudumc and MUMC+
Classification: Uncertain significance. Review status: no assertion criteria provided. Collection method: clinical testing. Allele origin: germline. Affected: yes. Study: VKGL Data-share Consensus. Not counted in ClinVar's aggregate classification.

Literature cited by the submitters: PubMed 20305132 (cited by 4 submitters); PubMed 23555315 (cited by Color Diagnostics, LLC DBA Color Health); PubMed 25186627 (cited by 4 submitters); PubMed 29522266 (cited by 5 submitters); PubMed 30303537 (cited by 6 submitters); PubMed 33436325 (cited by 6 submitters); PubMed 33471991 (cited by 5 submitters); PubMed 33646313 (cited by 3 submitters); PubMed 35047863 (cited by Mayo Clinic Laboratories, Mayo Clinic); PubMed 16014569 (cited by Center for Genomic Medicine, Rigshospitalet, Copenhagen University Hospital); PubMed 32183301 (cited by Quest Diagnostics Nichols Institute San Juan Capistrano and Athena Diagnostics); PubMed 26580448 (cited by 4 submitters); PubMed 28652578 (cited by 3 submitters); PubMed 28779002 (cited by 3 submitters); PubMed 30425284 (cited by Quest Diagnostics Nichols Institute San Juan Capistrano and Athena Diagnostics); PubMed 33415580 (cited by Quest Diagnostics Nichols Institute San Juan Capistrano and Athena Diagnostics); PubMed 22529920 (cited by 4 submitters); PubMed 25085752 (cited by Myriad Genetics, Inc.); PubMed 24356096 (cited by Women's Health and Genetics/Laboratory Corporation of America, LabCorp); PubMed 25882375 (cited by Women's Health and Genetics/Laboratory Corporation of America, LabCorp); PubMed 30814645 (cited by Women's Health and Genetics/Laboratory Corporation of America, LabCorp); PubMed 19781682 (cited by Ambry Genetics).